The following is an entry in ClinVar:

NM_014000.3(VCL):c.2434+48C>T

Gene: VCL (vinculin; plus strand). Cytogenetic location: 10q22.2.
Variant type: single nucleotide variant.
Coding change: c.2434+48C>T on transcript NM_014000.3 (MANE Select); 48 bases into the intron after coding-DNA position 2434, C replaced by T.
Molecular consequence: intron variant.
Genome position (GRCh38, 1-based): chr10:74,105,401, C>T. VCF-style: chr10-74105401-C-T. GRCh37 (hg19) VCF-style: chr10-75865159-C-T.
Other names: c.2434+48C>T (NM_003373.4).
Identifiers: ClinVar variation 675313 (VCV000675313.2), dbSNP rs55984079, ClinGen allele CA5563221.

ClinVar aggregate classification (germline): Benign. Review status: criteria provided, multiple submitters, no conflicts (2 of 4 stars). 2 submissions from 2 submitters: Benign (2). Last evaluated 2018-06-14.

Allele frequency attached by ClinVar (database versions not stated): 1000 Genomes Project 0.01577; 1000 Genomes Project 30x 0.01686; gnomAD 0.03835 and 0.03928; TOPMed 0.03855; ExAC 0.03961; ESP Exome Variant Server 0.04352; gnomAD exomes 0.04002.
gnomAD v4.1: 75,573 of 1,610,172 alleles (4.7%); highest among the groups gnomAD compares: Middle Eastern, 8%; 2,110 homozygotes.

Submissions (2):

GeneDx
Classification: Benign. Last evaluated: 2018-06-14. Review status: criteria provided, single submitter. Criteria: GeneDx Variant Classification (06012015). Collection method: clinical testing. Allele origin: germline. Affected: yes.
Comment: This variant is considered likely benign or benign based on one or more of the following criteria: it is a conservative change, it occurs at a poorly conserved position in the protein, it is predicted to be benign by multiple in silico algorithms, and/or has population frequency not consistent with disease.

Breakthrough Genomics
Classification: Benign. Review status: criteria provided, single submitter. Criteria: ACMG Guidelines, 2015. Collection method: not provided. Allele origin: germline. Inheritance: Autosomal dominant inheritance. Affected: yes.